The following is an entry in ClinVar:

NM_005120.3(MED12):c.1485+96A>G

Genes: MED12 (mediator complex subunit 12; plus strand), LOC126863275 (BRD4-independent group 4 enhancer GRCh37_chrX:70342400-70343599; plus strand). Cytogenetic location: Xq13.1.
Variant type: single nucleotide variant.
Coding change: c.1485+96A>G on transcript NM_005120.3 (MANE Select); 96 bases into the intron after coding-DNA position 1485, A replaced by G.
Molecular consequence: intron variant.
Genome position (GRCh38, 1-based): chrX:71,122,970, A>G. VCF-style: chrX-71122970-A-G. GRCh37 (hg19) VCF-style: chrX-70342820-A-G.
Identifiers: ClinVar variation 674530 (VCV000674530.2), dbSNP rs7053139, ClinGen allele CA16011007.

ClinVar aggregate classification (germline): Benign. Review status: criteria provided, multiple submitters, no conflicts (2 of 4 stars). 2 submissions from 2 submitters: Benign (2). Last evaluated 2018-06-14.

Allele frequency attached by ClinVar (database versions not stated): 1000 Genomes Project 0.11152; 1000 Genomes Project 30x 0.11488; TOPMed 0.20824; gnomAD 0.21647 and 0.22080; gnomAD exomes 0.29112.
gnomAD v4.1: 325,130 of 1,145,579 alleles (28%); highest among the groups gnomAD compares: Middle Eastern, 41%; 35,569 homozygotes.

Submissions (2):

GeneDx
Classification: Benign. Last evaluated: 2018-06-14. Review status: criteria provided, single submitter. Criteria: GeneDx Variant Classification (06012015). Collection method: clinical testing. Allele origin: germline. Affected: yes.
Comment: This variant is considered likely benign or benign based on one or more of the following criteria: it is a conservative change, it occurs at a poorly conserved position in the protein, it is predicted to be benign by multiple in silico algorithms, and/or has population frequency not consistent with disease.

Breakthrough Genomics
Classification: Benign. Review status: criteria provided, single submitter. Criteria: ACMG Guidelines, 2015. Collection method: not provided. Allele origin: germline. Inheritance: X-linked inheritance. Affected: yes.